The following is an entry in ClinVar:

NM_000883.4(IMPDH1):c.1372G>A (p.Val458Met)

Gene: IMPDH1 (inosine monophosphate dehydrogenase 1; minus strand). Cytogenetic location: 7q32.1.
Variant type: single nucleotide variant.
Coding change: c.1372G>A on transcript NM_000883.4 (MANE Select); coding-DNA position 1372, G replaced by A.
Protein change: p.Val458Met; replaces valine 458 with methionine.
Molecular consequence: missense variant.
Genome position (GRCh38, 1-based): chr7:128,395,164, C>T on the plus strand (G>A on the coding strand, the complement: IMPDH1 is on the minus strand). VCF-style: chr7-128395164-C-T. GRCh37 (hg19) VCF-style: chr7-128035218-C-T.
Other names: c.1342G>A, p.Val448Met (NM_001102605.2); c.1117G>A, p.Val373Met (NM_001142573.2); c.1102G>A, p.Val368Met (NM_001142574.2); c.1042G>A, p.Val348Met (NM_001142575.2); c.1273G>A, p.Val425Met (NM_001142576.2); c.1165G>A, p.Val389Met (NM_001304521.2); c.1264G>A, p.Val422Met (NM_183243.3); short protein forms V389M, V458M, V373M, V448M, V368M, V425M, V348M, V422M.
Identifiers: ClinVar variation 1441747 (VCV001441747.6), dbSNP rs762811874, ClinGen allele CA4470855.

ClinVar aggregate classification (germline): Uncertain significance (1 of 4 stars; one submission).

Allele frequency attached by ClinVar (database versions not stated): gnomAD exomes below 0.00001 and 0.00001; ExAC 0.00001; gnomAD 0.00001 and 0.00002; TOPMed 0.00001.
gnomAD v4.1: 23 of 1,613,936 alleles (0.0014%); highest among the groups gnomAD compares: East Asian, 0.0022%; no homozygotes.

Submission:

Labcorp Genetics (formerly Invitae), Labcorp
Classification: Uncertain significance. Last evaluated: 2021-10-16. Review status: criteria provided, single submitter. Criteria: Invitae Variant Classification Sherloc (09022015). Collection method: clinical testing. Allele origin: germline.
Comment: This variant is present in population databases (rs762811874, ExAC 0.006%). In summary, the available evidence is currently insufficient to determine the role of this variant in disease. Therefore, it has been classified as a Variant of Uncertain Significance. Algorithms developed to predict the effect of missense changes on protein structure and function are either unavailable or do not agree on the potential impact of this missense change (SIFT: "Deleterious"; PolyPhen-2: "Possibly Damaging"; Align-GVGD: "Class C0"). This variant has not been reported in the literature in individuals affected with IMPDH1-related conditions. This sequence change replaces valine with methionine at codon 458 of the IMPDH1 protein (p.Val458Met). The valine residue is moderately conserved and there is a small physicochemical difference between valine and methionine.